The following is an entry in ClinVar:

NM_001122630.2(CDKN1C):c.184G>A (p.Gly62Ser)

Gene: CDKN1C (cyclin dependent kinase inhibitor 1C; minus strand). Cytogenetic location: 11p15.4.
Variant type: single nucleotide variant.
Coding change: c.184G>A on transcript NM_001122630.2 (MANE Select); coding-DNA position 184, G replaced by A.
Protein change: p.Gly62Ser; replaces glycine 62 with serine.
Molecular consequence: missense variant.
Genome position (GRCh38, 1-based): chr11:2,885,273, C>T on the plus strand (G>A on the coding strand, the complement: CDKN1C is on the minus strand). VCF-style: chr11-2885273-C-T. GRCh37 (hg19) VCF-style: chr11-2906503-C-T.
Other names: c.217G>A, p.Gly73Ser (NM_000076.2, NM_001362474.2); c.184G>A, p.Gly62Ser (NM_001122631.2, NM_001362475.2); short protein forms G73S, G62S.
Identifiers: ClinVar variation 941550 (VCV000941550.9), dbSNP rs1197451349, ClinGen allele CA379147363.

ClinVar aggregate classification (germline): Uncertain significance (1 of 4 stars; one submission).

Conditions:
Beckwith-Wiedemann syndrome (BWS). Also called: Exomphalos macroglossia gigantism syndrome; EMG SYNDROME. Identifiers: Orphanet 116, MedGen C0004903, MONDO:0007534, OMIM 130650.

Submission:

Labcorp Genetics (formerly Invitae), Labcorp
Classification: Uncertain significance for Beckwith-Wiedemann syndrome. Last evaluated: 2024-02-17. Review status: criteria provided, single submitter. Criteria: Invitae Variant Classification Sherloc (09022015). Collection method: clinical testing. Allele origin: germline.
Comment: This sequence change replaces glycine, which is neutral and non-polar, with serine, which is neutral and polar, at codon 73 of the CDKN1C protein (p.Gly73Ser). This variant is not present in population databases (gnomAD no frequency). This variant has not been reported in the literature in individuals affected with CDKN1C-related conditions. ClinVar contains an entry for this variant (Variation ID: 941550). Advanced modeling of protein sequence and biophysical properties (such as structural, functional, and spatial information, amino acid conservation, physicochemical variation, residue mobility, and thermodynamic stability) performed at Invitae indicates that this missense variant is not expected to disrupt CDKN1C protein function with a negative predictive value of 80%. In summary, the available evidence is currently insufficient to determine the role of this variant in disease. Therefore, it has been classified as a Variant of Uncertain Significance.